The following is an entry in ClinVar:

NM_000284.4(PDHA1):c.626A>G (p.Asn209Ser)

Gene: PDHA1 (pyruvate dehydrogenase E1 subunit alpha 1; plus strand). Cytogenetic location: Xp22.12.
Variant type: single nucleotide variant.
Coding change: c.626A>G on transcript NM_000284.4 (MANE Select); coding-DNA position 626, A replaced by G.
Protein change: p.Asn209Ser; replaces asparagine 209 with serine.
Molecular consequence: missense variant.
Genome position (GRCh38, 1-based): chrX:19,355,371, A>G. VCF-style: chrX-19355371-A-G. GRCh37 (hg19) VCF-style: chrX-19373489-A-G.
Other names: c.740A>G, p.Asn247Ser (NM_001173454.2); c.647A>G, p.Asn216Ser (NM_001173455.2); c.533A>G, p.Asn178Ser (NM_001173456.2); short protein forms N178S, N209S, N216S, N247S.
Identifiers: ClinVar variation 4070349 (VCV004070349.1).
Genomic context (GRCh38, chrX:19,355,371, plus strand): 5'-AGAAGCCAAATGAAACCCCTTTTCGTAACTACTTCCAGGGCCAGATATTCGAAGCTTACA[A>G]CATGGCAGCTTTGTGGAAATTACCTTGTATTTTCATCTGTGAGAATAATCGCTATGGAAT-3'
Protein context (NP_000275.1, residues 199-219): ANQGQIFEAY[Asn209Ser]MAALWKLPCI

ClinVar aggregate classification (germline): Likely pathogenic (0 of 4 stars; one submission).

Conditions:
Pyruvate dehydrogenase E1-alpha deficiency (PDHAD). Also called: ATAXIA, INTERMITTENT, WITH PYRUVATE DEHYDROGENASE DEFICIENCY; ATAXIA WITH LACTIC ACIDOSIS I; ATAXIA, INTERMITTENT, WITH ABNORMAL PYRUVATE METABOLISM; Ataxia, intermittent, with pyruvate dehydrogenase, or decarboxylase, deficiency. Identifiers: Orphanet 79243, MedGen C1839413, MONDO:0010717, OMIM 312170.

Submission:

PDHA1 Study Group, University Children’s Hospital, Paracelsus Medical University
Classification: Likely pathogenic for Pyruvate dehydrogenase E1-alpha deficiency. Last evaluated: 2024-10-15. Review status: no assertion criteria provided. Collection method: research. Allele origin: de novo. Affected: yes. Observed: 1 variant allele.
Comment: The NM_000284.3:c.626A>G (p.Asn209Ser) substitution is a missense variant in PDHA1 gene. Among them, 1 case had confirmed de novo occurrence. Last literature search: July 12, 2024. This variant is absent or extremely rare in population-based cohorts in the Genome Aggregation Database (gnomAD). Individuals harboring this variant presented with clinical features compatible with PDHA1-related PDHc deficiency. In summary, this variant meets criteria to be classified as likely pathogenic (LP) for PDHA1-related PDHc deficiency based on the ACMG/AMP criteria applied: PM1, PM2, PP3, PP4 (last assessment October 15, 2024).

Literature cited by the submitters: DOI 10.1093/brain/awaf430.